The following is an entry in ClinVar:

NM_005689.4(ABCB6):c.926dup (p.Tyr309Ter)

Gene: ABCB6 (ATP binding cassette subfamily B member 6 (LAN blood group); minus strand). Cytogenetic location: 2q35.
Variant type: Duplication.
Coding change: c.926dup on transcript NM_005689.4 (MANE Select); coding-DNA position 926, one base duplicated (A; older notation c.926dupA).
Protein change: p.Tyr309Ter; replaces tyrosine 309 with a stop codon.
Molecular consequence: nonsense.
Genome position (GRCh38, 1-based): chr2:219,216,408, T duplicated on the plus strand (A on the coding strand, the reverse complement: ABCB6 is on the minus strand). VCF-style (leftmost placement, unchanged base first): chr2-219216407-G-GT. GRCh37 (hg19) VCF-style: chr2-220081129-G-GT.
Other names: p.Tyr309*; c.926dupA (NM_005689.2); c.788dup, p.Tyr263Ter (NM_001349828.2); short protein forms Y309*, Y263*.
Identifiers: ClinVar variation 2737020 (VCV002737020.6), dbSNP rs770921703, ClinGen allele CA2119596.
Genomic context (GRCh38, chr2:219,216,407, plus strand): 5'-GGCGGAGTCTCTCATACCTGTACTGCCAGTGCCACCCCCCTGGAGGAACTTGAGGAAGAC[G>GT]TAACTGGTAACAGTCCAGGCCAGAGAGTTCCAAGGTGCCTTCTCAGTCAGCAAGTTCACT-3'

ClinVar aggregate classification (germline): Conflicting classifications of pathogenicity. Review status: criteria provided, conflicting classifications (1 of 4 stars). 3 submissions from 3 submitters: Likely pathogenic (1); Uncertain significance (1); Likely benign (1). Last evaluated 2026-04-30.

Conditions:
ABCB6-related disorder. Also called: ABCB6-related condition.

Allele frequency attached by ClinVar (database versions not stated): ExAC 0.00002; gnomAD exomes 0.00005; gnomAD 0.00082; TOPMed 0.00082.

Submissions (3):

PreventionGenetics, part of Exact Sciences
Classification: Likely pathogenic for ABCB6-related condition. Last evaluated: 2026-04-30. Review status: criteria provided, single submitter. Criteria: ACMG Guidelines, 2015. Collection method: clinical testing. Allele origin: germline.
Comment: The ABCB6 c.926dupA variant is predicted to result in premature protein termination (p.Tyr309*). To our knowledge, this variant has not been reported in the literature. This variant is reported in 0.18% of alleles in individuals of Latino descent in gnomAD. Nonsense variants in ABCB6 are expected to be pathogenic for autosomal recessive Langereis system blood group (OMIM #111600) but their relevance to autosomal dominant disease is unclear. This variant is interpreted as likely pathogenic for autosomal recessive disease.

Labcorp Genetics (formerly Invitae), Labcorp
Classification: Likely benign. Last evaluated: 2025-09-03. Review status: criteria provided, single submitter. Criteria: Invitae Variant Classification Sherloc (09022015). Collection method: clinical testing. Allele origin: germline.

Mayo Clinic Laboratories, Mayo Clinic
Classification: Uncertain significance. Last evaluated: 2025-08-22. Review status: criteria provided, single submitter. Criteria: ACMG Guidelines, 2015. Collection method: clinical testing. Allele origin: germline. Observed: 1 variant allele.